The following is an entry in ClinVar:

NM_005045.4(RELN):c.2070-3C>A

Gene: RELN (reelin; minus strand). Cytogenetic location: 7q22.1.
Variant type: single nucleotide variant.
Coding change: c.2070-3C>A on transcript NM_005045.4 (MANE Select); 3 bases into the intron before coding-DNA position 2070, C replaced by A.
Molecular consequence: intron variant.
Genome position (GRCh38, 1-based): chr7:103,636,471, G>T on the plus strand (C>A on the coding strand, the complement: RELN is on the minus strand). VCF-style: chr7-103636471-G-T. GRCh37 (hg19) VCF-style: chr7-103276918-G-T.
Other names: c.2070-3C>A (NM_173054.3).
Identifiers: ClinVar variation 2937996 (VCV002937996.3), dbSNP rs2484803157, ClinGen allele CA2684363850.

ClinVar aggregate classification (germline): Uncertain significance (1 of 4 stars; one submission).

Conditions:
Norman-Roberts syndrome (LIS2). Also called: Lissencephaly 2 (Norman-Roberts type). Identifiers: Orphanet 89844, MedGen C0796089, MONDO:0009760, OMIM 257320.
Familial temporal lobe epilepsy 7. Identifiers: Orphanet 101046, MedGen C4225327, MONDO:0014639, OMIM 616436.

Submission:

Labcorp Genetics (formerly Invitae), Labcorp
Classification: Uncertain significance for Familial temporal lobe epilepsy 7; Norman-Roberts syndrome. Last evaluated: 2024-01-07. Review status: criteria provided, single submitter. Criteria: Invitae Variant Classification Sherloc (09022015). Collection method: clinical testing. Allele origin: germline.
Comment: This sequence change falls in intron 17 of the RELN gene. It does not directly change the encoded amino acid sequence of the RELN protein. It affects a nucleotide within the consensus splice site. This variant is not present in population databases (gnomAD no frequency). This variant has not been reported in the literature in individuals affected with RELN-related conditions. Variants that disrupt the consensus splice site are a relatively common cause of aberrant splicing (PMID: 17576681, 9536098). Algorithms developed to predict the effect of sequence changes on RNA splicing suggest that this variant may disrupt the consensus splice site. In summary, the available evidence is currently insufficient to determine the role of this variant in disease. Therefore, it has been classified as a Variant of Uncertain Significance.

Literature cited by the submitters: PubMed 17576681; PubMed 9536098.